The following is an entry in ClinVar:

ClinVar aggregate classification (germline): Pathogenic (1 of 4 stars; one submission).

Conditions:
Neurofibromatosis, type 1 (NF1). Also called: Peripheral type neurofibromatosis; VON RECKLINGHAUSEN DISEASE; NEUROFIBROMATOSIS, TYPE I, SOMATIC; Neurofibromatosis, type I. Identifiers: Orphanet 636, MedGen C0027831, MONDO:0018975, OMIM 162200. Disease mechanism: loss of function.

Submission:

Labcorp Genetics (formerly Invitae), Labcorp
Classification: Pathogenic for Neurofibromatosis, type 1. Last evaluated: 2025-05-23. Review status: criteria provided, single submitter. Criteria: Invitae Variant Classification Sherloc (09022015). Collection method: clinical testing. Allele origin: germline.
Comment: This sequence change creates a premature translational stop signal (p.Leu81Serfs*4) in the NF1 gene. It is expected to result in an absent or disrupted protein product. Loss-of-function variants in NF1 are known to be pathogenic (PMID: 10712197, 23913538). This variant is not present in population databases (gnomAD no frequency). This variant has not been reported in the literature in individuals affected with NF1-related conditions. ClinVar contains an entry for this variant (Variation ID: 3655362). For these reasons, this variant has been classified as Pathogenic.

Literature cited by the submitters: PubMed 10712197; PubMed 23913538.

NM_001042492.3(NF1):c.240del (p.Leu81fs)

Gene: NF1 (neurofibromin 1; plus strand). Cytogenetic location: 17q11.2.
Variant type: Deletion.
Coding change: c.240del on transcript NM_001042492.3 (MANE Select); coding-DNA position 240, one base deleted (T; older notation c.240delT).
Protein change: p.Leu81fs; shifts the reading frame from leucine 81.
Molecular consequence: frameshift variant.
Genome position (GRCh38, 1-based): chr17:31,159,045, T deleted. VCF-style (leftmost placement, unchanged base first): chr17-31159044-AT-A. GRCh37 (hg19) VCF-style: chr17-29486062-AT-A.
Other names: c.240delT, p.Leu81Serfs (NM_000267.4); c.240del, p.Leu81fs (NM_001128147.3); short protein forms L81fs.
Identifiers: ClinVar variation 3655362 (VCV003655362.2).
Genomic context (GRCh38, chr17:31,159,044, plus strand): 5'-TATGTTCTGAATATCTTTTCTGTTAGAGAATATTTGGAGAAGCTGCTGAAAAAAATTTAT[AT>A]CTCTCTCAGTTGATTATATTGGATACACTGGAAAAATGTCTTGCTGGGGTAAGTAAATTG-3'